The following is an entry in ClinVar:

NM_000090.4(COL3A1):c.3349G>T (p.Ala1117Ser)

Gene: COL3A1 (collagen type III alpha 1 chain; plus strand). Cytogenetic location: 2q32.2.
Variant type: single nucleotide variant.
Coding change: c.3349G>T on transcript NM_000090.4 (MANE Select); coding-DNA position 3349, G replaced by T.
Protein change: p.Ala1117Ser; replaces alanine 1117 with serine.
Molecular consequence: missense variant.
Genome position (GRCh38, 1-based): chr2:189,007,593, G>T. VCF-style: chr2-189007593-G-T. GRCh37 (hg19) VCF-style: chr2-189872319-G-T.
Other names: short protein forms A1117S.
Identifiers: ClinVar variation 3074621 (VCV003074621.1), dbSNP rs757209491, ClinGen allele CA076030.
Genomic context (GRCh38, chr2:189,007,593, plus strand): 5'-ACAGGTGAACGTGGAGCTGCTGGCATCAAAGGACATCGAGGATTCCCTGGTAATCCAGGT[G>T]CCCCAGGTTCTCCAGTAAGTGCATTCATTTTGTTGGAAAATCCCTTCAATGTATACAAAT-3'
Protein context (NP_000081.2, residues 1107-1127): GHRGFPGNPG[Ala1117Ser]PGSPGPAGQQ

ClinVar aggregate classification (germline): Uncertain significance (1 of 4 stars; one submission).

Conditions:
Ehlers-Danlos syndrome, type 4 (EDSVASC). Also called: Ehlers-Danlos Syndrome Type IV; Ehlers-Danlos syndrome vascular type; Ehlers Danlos syndrome, ecchymotic type; Ehlers Danlos syndrome, arterial type; Ehlers Danlos syndrome, Sack-Barabas type. Identifiers: Orphanet 286, MedGen C0268338, MONDO:0017314, OMIM 130050.

Allele frequency attached by ClinVar (database versions not stated): gnomAD exomes below 0.00001; TOPMed below 0.00001; ExAC 0.00001; gnomAD 0.00001.
gnomAD v4.1: 3 of 1,612,180 alleles (0.00019%); highest among the groups gnomAD compares: South Asian, 0.0011%; no homozygotes.

Submission:

All of Us Research Program, National Institutes of Health
Classification: Uncertain significance for Ehlers-Danlos syndrome, type 4. Last evaluated: 2023-11-20. Review status: criteria provided, single submitter. Criteria: ACMG Guidelines, 2015. Collection method: clinical testing. Allele origin: germline. Inheritance: Autosomal dominant inheritance. Observed: 1 variant allele, 1 heterozygote.
Comment: This missense variant replaces alanine with serine at codon 1117 of the COL3A1 protein. Computational prediction suggests that this variant may not impact protein structure and function (internally defined REVEL score threshold <= 0.5, PMID: 27666373). To our knowledge, functional studies have not been reported for this variant. This variant has not been reported in individuals affected with COL3A1-related disorders in the literature. This variant has been identified in 1/247868 chromosomes in the general population by the Genome Aggregation Database (gnomAD). The available evidence is insufficient to determine the role of this variant in disease conclusively. Therefore, this variant is classified as a Variant of Uncertain Significance.

This study involves interpretation of variants in research participants for the purpose of population health screening. Participant phenotype was not available at the time of variant classification. Additional details can be found in publication PMID: 35346344, PMCID: PMC8962531